The following is an entry in ClinVar:

NM_004448.4(ERBB2):c.2843C>T (p.Thr948Ile)

Gene: ERBB2 (erb-b2 receptor tyrosine kinase 2; plus strand). Cytogenetic location: 17q12.
Variant type: single nucleotide variant.
Coding change: c.2843C>T on transcript NM_004448.4 (MANE Select); coding-DNA position 2843, C replaced by T.
Protein change: p.Thr948Ile; replaces threonine 948 with isoleucine.
Molecular consequence: missense variant. On other transcripts: non-coding transcript variant (1), intron variant (1).
Genome position (GRCh38, 1-based): chr17:39,725,824, C>T. VCF-style: chr17-39725824-C-T. GRCh37 (hg19) VCF-style: chr17-37882077-C-T.
Other names: c.2753C>T, p.Thr918Ile (NM_001005862.3, NM_001382782.1, NM_001382783.1); c.2798C>T, p.Thr933Ile (NM_001289936.2); c.2843C>T, p.Thr948Ile (NM_001289937.2, NM_001382796.1); c.2960C>T, p.Thr987Ile (NM_001382784.1); c.2945C>T, p.Thr982Ile (NM_001382785.1); c.2924C>T, p.Thr975Ile (NM_001382786.1); c.2918C>T, p.Thr973Ile (NM_001382787.1); c.2873C>T, p.Thr958Ile (NM_001382788.1); and 15 more; short protein forms T672I, T918I, T933I, T934I, T958I, T602I, T862I, T932I.
Identifiers: ClinVar variation 1443959 (VCV001443959.8), dbSNP rs2143075314, ClinGen allele CA399307251.

ClinVar aggregate classification (germline): Uncertain significance (1 of 4 stars; one submission).

Allele frequency attached by ClinVar (database versions not stated): gnomAD exomes below 0.00001.
gnomAD v4.1: 1 of 1,613,940 alleles (0.000062%); highest among the groups gnomAD compares: Non-Finnish European, 0.000085%; no homozygotes.

Submission:

Labcorp Genetics (formerly Invitae), Labcorp
Classification: Uncertain significance. Last evaluated: 2021-04-16. Review status: criteria provided, single submitter. Criteria: Invitae Variant Classification Sherloc (09022015). Collection method: clinical testing. Allele origin: germline.
Comment: In summary, the available evidence is currently insufficient to determine the role of this variant in disease. Therefore, it has been classified as a Variant of Uncertain Significance. Algorithms developed to predict the effect of missense changes on protein structure and function are either unavailable or do not agree on the potential impact of this missense change (SIFT: "Deleterious"; PolyPhen-2: "Probably Damaging"; Align-GVGD: "Class C15"). This variant has not been reported in the literature in individuals with ERBB2-related conditions. This variant is not present in population databases (ExAC no frequency). This sequence change replaces threonine with isoleucine at codon 948 of the ERBB2 protein (p.Thr948Ile). The threonine residue is highly conserved and there is a moderate physicochemical difference between threonine and isoleucine.